The following is an entry in ClinVar:

ClinVar aggregate classification (germline): Uncertain significance (1 of 4 stars; one submission).

Submission:

Labcorp Genetics (formerly Invitae), Labcorp
Classification: Uncertain significance. Last evaluated: 2020-12-28. Review status: criteria provided, single submitter. Criteria: Invitae Variant Classification Sherloc (09022015). Collection method: clinical testing. Allele origin: germline.
Comment: In summary, the available evidence is currently insufficient to determine the role of this variant in disease. Therefore, it has been classified as a Variant of Uncertain Significance. Algorithms developed to predict the effect of sequence changes on RNA splicing suggest that this variant may create or strengthen a splice site, but this prediction has not been confirmed by published transcriptional studies. Algorithms developed to predict the effect of missense changes on protein structure and function are either unavailable or do not agree on the potential impact of this missense change (SIFT: "Deleterious"; PolyPhen-2: "Possibly Damaging"; Align-GVGD: "Class C0"). This variant has not been reported in the literature in individuals with KIAA1549-related conditions. This variant is not present in population databases (ExAC no frequency). This sequence change replaces glutamic acid with valine at codon 987 of the KIAA1549 protein (p.Glu987Val). The glutamic acid residue is highly conserved and there is a moderate physicochemical difference between glutamic acid and valine.

NM_001164665.2(KIAA1549):c.2960A>T (p.Glu987Val)

Gene: KIAA1549 (KIAA1549; minus strand). Cytogenetic location: 7q34.
Variant type: single nucleotide variant.
Coding change: c.2960A>T on transcript NM_001164665.2 (MANE Select); coding-DNA position 2960, A replaced by T.
Protein change: p.Glu987Val; replaces glutamic acid 987 with valine.
Molecular consequence: missense variant.
Genome position (GRCh38, 1-based): chr7:138,912,379, T>A on the plus strand (A>T on the coding strand, the complement: KIAA1549 is on the minus strand). VCF-style: chr7-138912379-T-A. GRCh37 (hg19) VCF-style: chr7-138597125-T-A.
Other names: c.2960A>T, p.Glu987Val (NM_020910.3); short protein forms E987V.
Identifiers: ClinVar variation 1433162 (VCV001433162.8), dbSNP rs2130468322, ClinGen allele CA369389797.